The following is an entry in ClinVar:

ClinVar aggregate classification (germline): Pathogenic (1 of 4 stars; one submission).

Conditions:
Familial hypobetalipoproteinemia 1. Also called: APOB-Related Familial Hypobetalipoproteinemia; Hypobetalipoproteinemia, normotriglyceridemic; Acanthocytosis with hypobetalipoproteinemia. Identifiers: MedGen C4551990, MONDO:0014252, OMIM 615558.
Hypercholesterolemia, autosomal dominant, type B (FHCL2). Also called: Familial Hypercholesterolemia Type B; APOLIPOPROTEIN B-100, FAMILIAL DEFECTIVE; APOLIPOPROTEIN B-100, FAMILIAL LIGAND-DEFECTIVE; HYPERCHOLESTEROLEMIA, FAMILIAL, DUE TO LIGAND-DEFECTIVE APOLIPOPROTEIN B; Hyperlipoproteinemia Type IIb; Familial hypercholesterolemia 2. Identifiers: MedGen C1704417, MONDO:0007751, OMIM 144010.

Allele frequency attached by ClinVar (database versions not stated): gnomAD 0.00001.
gnomAD v4.1: 1 of 1,614,040 alleles (0.000062%); highest among the groups gnomAD compares: Non-Finnish European, 0.000085%; no homozygotes.

Submission:

Labcorp Genetics (formerly Invitae), Labcorp
Classification: Pathogenic for Familial hypobetalipoproteinemia 1; Hypercholesterolemia, autosomal dominant, type B. Last evaluated: 2022-11-10. Review status: criteria provided, single submitter. Criteria: Invitae Variant Classification Sherloc (09022015). Collection method: clinical testing. Allele origin: germline.
Comment: This sequence change creates a premature translational stop signal (p.Tyr1946*) in the APOB gene. It is expected to result in an absent or disrupted protein product. Loss-of-function variants in APOB are known to be pathogenic (PMID: 20032471). This variant is present in population databases (no rsID available, gnomAD 0.007%). This variant has not been reported in the literature in individuals affected with APOB-related conditions. For these reasons, this variant has been classified as Pathogenic.

Literature cited by the submitters: PubMed 20032471.

NM_000384.3(APOB):c.5838C>A (p.Tyr1946Ter)

Gene: APOB (apolipoprotein B; minus strand). Cytogenetic location: 2p24.1.
Variant type: single nucleotide variant.
Coding change: c.5838C>A on transcript NM_000384.3 (MANE Select); coding-DNA position 5838, C replaced by A.
Protein change: p.Tyr1946Ter; replaces tyrosine 1946 with a stop codon.
Molecular consequence: nonsense.
Genome position (GRCh38, 1-based): chr2:21,011,030, G>T on the plus strand (C>A on the coding strand, the complement: APOB is on the minus strand). VCF-style: chr2-21011030-G-T. GRCh37 (hg19) VCF-style: chr2-21233902-G-T.
Other names: short protein forms Y1946*.
Identifiers: ClinVar variation 2937495 (VCV002937495.3), dbSNP rs986986719, ClinGen allele CA43506230.